The following is an entry in ClinVar:

NM_176824.3(BBS7):c.1996C>T (p.His666Tyr)

Gene: BBS7 (Bardet-Biedl syndrome 7; minus strand). Cytogenetic location: 4q27.
Variant type: single nucleotide variant.
Coding change: c.1996C>T on transcript NM_176824.3 (MANE Select); coding-DNA position 1996, C replaced by T.
Protein change: p.His666Tyr; replaces histidine 666 with tyrosine.
Molecular consequence: missense variant.
Genome position (GRCh38, 1-based): chr4:121,828,164, G>A on the plus strand (C>T on the coding strand, the complement: BBS7 is on the minus strand). VCF-style: chr4-121828164-G-A. GRCh37 (hg19) VCF-style: chr4-122749319-G-A.
Other names: c.1996C>T, p.His666Tyr (NM_018190.4); short protein forms H666Y.
Identifiers: ClinVar variation 969175 (VCV000969175.7), dbSNP rs1342336710, ClinGen allele CA358054237.

ClinVar aggregate classification (germline): Uncertain significance. Review status: criteria provided, multiple submitters, no conflicts (2 of 4 stars). 3 submissions from 3 submitters: Uncertain significance (3). Last evaluated 2026-04-09.

Conditions:
Bardet-Biedl syndrome (BBS). Identifiers: Orphanet 110, MedGen C0752166, MONDO:0015229.
BBS7-related disorder. Also called: BBS7-related condition.
Bardet-Biedl syndrome 7 (BBS7). Identifiers: Orphanet 110, MedGen C1859565, MONDO:0014435, OMIM 615984.

Allele frequency attached by ClinVar (database versions not stated): gnomAD exomes below 0.00001 and 0.00001; TOPMed below 0.00001; gnomAD 0.00001.
gnomAD v4.1: 5 of 1,613,736 alleles (0.00031%); highest among the groups gnomAD compares: African/African-American, 0.0013%; no homozygotes.

Submissions (3):

PreventionGenetics, part of Exact Sciences
Classification: Uncertain significance for BBS7-related condition. Last evaluated: 2026-04-09. Review status: criteria provided, single submitter. Criteria: ACMG Guidelines, 2015. Collection method: clinical testing. Allele origin: germline.
Comment: The BBS7 c.1996C>T variant is predicted to result in the amino acid substitution p.His666Tyr. To our knowledge, this variant has not been reported in the literature. This variant is reported in 0.00088% of alleles in individuals of European (Non-Finnish) descent in gnomAD. At this time, the clinical significance of this variant is uncertain due to the absence of conclusive functional and genetic evidence.

Fulgent Genetics
Classification: Uncertain significance for Bardet-Biedl syndrome 7. Last evaluated: 2023-12-29. Review status: criteria provided, single submitter. Criteria: ACMG Guidelines, 2015. Collection method: clinical testing. Allele origin: germline.

Labcorp Genetics (formerly Invitae), Labcorp
Classification: Uncertain significance for Bardet-Biedl syndrome. Last evaluated: 2021-08-26. Review status: criteria provided, single submitter. Criteria: Invitae Variant Classification Sherloc (09022015). Collection method: clinical testing. Allele origin: germline.
Comment: This sequence change replaces histidine with tyrosine at codon 666 of the BBS7 protein (p.His666Tyr). The histidine residue is highly conserved and there is a moderate physicochemical difference between histidine and tyrosine. This variant is not present in population databases (ExAC no frequency). This variant has not been reported in the literature in individuals affected with BBS7-related conditions. Algorithms developed to predict the effect of missense changes on protein structure and function are either unavailable or do not agree on the potential impact of this missense change (SIFT: "Deleterious"; PolyPhen-2: "Benign"; Align-GVGD: "Class C25"). In summary, the available evidence is currently insufficient to determine the role of this variant in disease. Therefore, it has been classified as a Variant of Uncertain Significance.